The following is an entry in ClinVar:

NM_000165.5(GJA1):c.287T>C (p.Val96Ala)

Gene: GJA1 (gap junction protein alpha 1; plus strand). Cytogenetic location: 6q22.31.
Variant type: single nucleotide variant.
Coding change: c.287T>C on transcript NM_000165.5 (MANE Select); coding-DNA position 287, T replaced by C.
Protein change: p.Val96Ala; replaces valine 96 with alanine.
Molecular consequence: missense variant.
Genome position (GRCh38, 1-based): chr6:121,447,134, T>C. VCF-style: chr6-121447134-T-C. GRCh37 (hg19) VCF-style: chr6-121768280-T-C.
Other names: short protein forms V96A.
Identifiers: ClinVar variation 2734940 (VCV002734940.3), dbSNP rs2536821609, ClinGen allele CA365558549.

ClinVar aggregate classification (germline): Uncertain significance (1 of 4 stars; one submission).

Conditions:
Oculodentodigital dysplasia, autosomal recessive. Also called: OCULODENTOOSSEOUS DYSPLASIA, AUTOSOMAL RECESSIVE; ODDD, AUTOSOMAL RECESSIVE; ODOD, AUTOSOMAL RECESSIVE. Identifiers: Orphanet 2710, MedGen C2749477, MONDO:0009768, OMIM 257850.

Submission:

Labcorp Genetics (formerly Invitae), Labcorp
Classification: Uncertain significance for Oculodentodigital dysplasia, autosomal recessive. Last evaluated: 2024-01-05. Review status: criteria provided, single submitter. Criteria: Invitae Variant Classification Sherloc (09022015). Collection method: clinical testing. Allele origin: germline.
Comment: This sequence change replaces valine, which is neutral and non-polar, with alanine, which is neutral and non-polar, at codon 96 of the GJA1 protein (p.Val96Ala). This variant is not present in population databases (gnomAD no frequency). This missense change has been observed in individual(s) with autosomal dominant oculodentodigital dysplasia (PMID: 19338053). Advanced modeling of protein sequence and biophysical properties (such as structural, functional, and spatial information, amino acid conservation, physicochemical variation, residue mobility, and thermodynamic stability) performed at Invitae indicates that this missense variant is not expected to disrupt GJA1 protein function with a negative predictive value of 80%. This variant disrupts the p.Val96 amino acid residue in GJA1. Other variant(s) that disrupt this residue have been observed in individuals with GJA1-related conditions (PMID: 15108203, 16813608, 19338053, 31347275), which suggests that this may be a clinically significant amino acid residue. In summary, the available evidence is currently insufficient to determine the role of this variant in disease. Therefore, it has been classified as a Variant of Uncertain Significance.

Literature cited by the submitters: PubMed 19338053; PubMed 15108203; PubMed 16813608; PubMed 31347275.